The following is an entry in ClinVar:

NM_003560.4(PLA2G6):c.1400T>C (p.Leu467Pro)

Gene: PLA2G6 (phospholipase A2 group VI; minus strand). Cytogenetic location: 22q13.1.
Variant type: single nucleotide variant.
Coding change: c.1400T>C on transcript NM_003560.4 (MANE Select); coding-DNA position 1400, T replaced by C.
Protein change: p.Leu467Pro; replaces leucine 467 with proline.
Molecular consequence: missense variant.
Genome position (GRCh38, 1-based): chr22:38,126,398, A>G on the plus strand (T>C on the coding strand, the complement: PLA2G6 is on the minus strand). VCF-style: chr22-38126398-A-G. GRCh37 (hg19) VCF-style: chr22-38522405-A-G.
Other names: c.1238T>C, p.Leu413Pro (NM_001004426.3, NM_001199562.3, NM_001349865.2 and 1 more transcripts); c.1400T>C, p.Leu467Pro (NM_001349864.2); c.866T>C, p.Leu289Pro (NM_001349867.2); c.722T>C, p.Leu241Pro (NM_001349868.2); c.704T>C, p.Leu235Pro (NM_001349869.2); c.1400T>C (NM_003560.2); short protein forms L241P, L467P, L289P, L413P, L235P.
Identifiers: ClinVar variation 2056701 (VCV002056701.3), dbSNP rs760817038, ClinGen allele CA10230882.

ClinVar aggregate classification (germline): Uncertain significance. Review status: criteria provided, multiple submitters, no conflicts (2 of 4 stars). 2 submissions from 2 submitters: Uncertain significance (2). Last evaluated 2024-11-24.

Conditions:
Inborn genetic diseases. Identifiers: MedGen C0950123, MeSH D030342.
Infantile neuroaxonal dystrophy (NBIA2A). Also called: NEURODEGENERATION WITH BRAIN IRON ACCUMULATION 2A; SEITELBERGER DISEASE; Infantile neuroaxonal dystrophy 1. Identifiers: Orphanet 35069, MedGen C0270724, MONDO:0024457, OMIM 256600.

Allele frequency attached by ClinVar (database versions not stated): gnomAD exomes 0.00002; ExAC 0.00003; TOPMed 0.00003.
gnomAD v4.1: 13 of 1,613,724 alleles (0.00081%); highest among the groups gnomAD compares: Admixed American, 0.022%; no homozygotes.

Submissions (2):

Ambry Genetics
Classification: Uncertain significance for Inborn genetic diseases. Last evaluated: 2024-11-24. Review status: criteria provided, single submitter. Criteria: Ambry Variant Classification Scheme 2023. Collection method: clinical testing. Allele origin: germline.

Labcorp Genetics (formerly Invitae), Labcorp
Classification: Uncertain significance for Infantile neuroaxonal dystrophy. Last evaluated: 2023-12-11. Review status: criteria provided, single submitter. Criteria: Invitae Variant Classification Sherloc (09022015). Collection method: clinical testing. Allele origin: germline.
Comment: This sequence change replaces leucine, which is neutral and non-polar, with proline, which is neutral and non-polar, at codon 467 of the PLA2G6 protein (p.Leu467Pro). This variant is present in population databases (rs760817038, gnomAD 0.04%), including at least one homozygous and/or hemizygous individual. This variant has not been reported in the literature in individuals affected with PLA2G6-related conditions. ClinVar contains an entry for this variant (Variation ID: 2056701). Advanced modeling of protein sequence and biophysical properties (such as structural, functional, and spatial information, amino acid conservation, physicochemical variation, residue mobility, and thermodynamic stability) performed at Invitae indicates that this missense variant is not expected to disrupt PLA2G6 protein function with a negative predictive value of 80%. In summary, the available evidence is currently insufficient to determine the role of this variant in disease. Therefore, it has been classified as a Variant of Uncertain Significance.